The following is an entry in ClinVar:

NM_014795.4(ZEB2):c.3058G>T (p.Glu1020Ter)

Gene: ZEB2 (zinc finger E-box binding homeobox 2; minus strand). Cytogenetic location: 2q22.3.
Variant type: single nucleotide variant.
Coding change: c.3058G>T on transcript NM_014795.4 (MANE Select); coding-DNA position 3058, G replaced by T.
Protein change: p.Glu1020Ter; replaces glutamic acid 1020 with a stop codon.
Molecular consequence: nonsense.
Genome position (GRCh38, 1-based): chr2:144,396,421, C>A on the plus strand (G>T on the coding strand, the complement: ZEB2 is on the minus strand). VCF-style: chr2-144396421-C-A. GRCh37 (hg19) VCF-style: chr2-145153988-C-A.
Other names: c.2986G>T, p.Glu996Ter (NM_001171653.2); short protein forms E1020*, E996*.
Identifiers: ClinVar variation 2442606 (VCV002442606.1), dbSNP rs2549104776, ClinGen allele CA348703582.

ClinVar aggregate classification (germline): Pathogenic (1 of 4 stars; one submission).

Submission:

GeneDx
Classification: Pathogenic. Last evaluated: 2023-03-03. Review status: criteria provided, single submitter. Criteria: GeneDx Variant Classification Process June 2021. Collection method: clinical testing. Allele origin: germline. Affected: yes.
Comment: Nonsense variant in the C-terminus predicted to result in protein truncation, as the last 195 amino acids are lost, and other loss-of-function variants have been reported downstream in the Human Gene Mutation Database (HGMD); Not observed at significant frequency in large population cohorts (gnomAD); Has not been previously published as pathogenic or benign to our knowledge